The following is an entry in ClinVar:

NM_001347721.2(DYRK1A):c.1320C>T (p.Tyr440=)

Gene: DYRK1A (dual specificity tyrosine phosphorylation regulated kinase 1A; plus strand). Cytogenetic location: 21q22.13.
Variant type: single nucleotide variant.
Coding change: c.1320C>T on transcript NM_001347721.2 (MANE Select); coding-DNA position 1320, C replaced by T.
Protein change: p.Tyr440=; no amino-acid change (tyrosine 440 retained).
Molecular consequence: synonymous variant.
Genome position (GRCh38, 1-based): chr21:37,505,390, C>T. VCF-style: chr21-37505390-C-T. GRCh37 (hg19) VCF-style: chr21-38877693-C-T.
Other names: c.1320C>T, p.Tyr440= (NM_001347722.2, NM_130436.2); c.1233C>T, p.Tyr411= (NM_001347723.2); c.1347C>T, p.Tyr449= (NM_001396.5, NM_101395.2, NM_130438.2).
Identifiers: ClinVar variation 1148440 (VCV001148440.10), dbSNP rs1336115331, ClinGen allele CA512327919.
Genomic context (GRCh38, chr21:37,505,390, plus strand): 5'-GGAAACAGGAGGACCTGGTGGGCGACGTGCTGGGGAGTCAGGTCATACGGTCGCTGACTA[C>T]TTGAAGTTCAAAGACCTCATTTTAAGGATGCTTGATTATGACCCCAAAACTCGAATTCAA-3'
Protein context (NP_001334650.1, residues 430-450): AGESGHTVAD[Tyr440=]LKFKDLILRM

ClinVar aggregate classification (germline): Conflicting classifications of pathogenicity. Review status: criteria provided, conflicting classifications (1 of 4 stars). 2 submissions from 2 submitters: Uncertain significance (1); Likely benign (1). Last evaluated 2022-04-26.

Conditions:
DYRK1A-related intellectual disability syndrome (MRD7). Also called: Intellectual developmental disorder, autosomal dominant 7; DYRK1A Syndrome. Identifiers: Orphanet 464306, MedGen C5568143, MONDO:0013578, OMIM 614104.

Allele frequency attached by ClinVar (database versions not stated): gnomAD exomes below 0.00001; TOPMed below 0.00001; gnomAD 0.00001.
gnomAD v4.1: 3 of 1,614,088 alleles (0.00019%); highest among the groups gnomAD compares: Non-Finnish European, 0.00017%; no homozygotes.

Submissions (2):

GeneDx
Classification: Uncertain significance. Last evaluated: 2022-04-26. Review status: criteria provided, single submitter. Criteria: GeneDx Variant Classification Process June 2021. Collection method: clinical testing. Allele origin: germline. Affected: yes.
Comment: Not observed at significant frequency in large population cohorts (gnomAD); In silico analysis supports that this variant does not alter splicing; Has not been previously published as pathogenic or benign to our knowledge

Labcorp Genetics (formerly Invitae), Labcorp
Classification: Likely benign for DYRK1A-related intellectual disability syndrome. Last evaluated: 2020-08-03. Review status: criteria provided, single submitter. Criteria: Invitae Variant Classification Sherloc (09022015). Collection method: clinical testing. Allele origin: germline.